The following is an entry in ClinVar:

NM_001378454.1(ALMS1):c.6612G>T (p.Arg2204Ser)

Gene: ALMS1 (ALMS1 centrosome and basal body associated protein; plus strand). Cytogenetic location: 2p13.1.
Variant type: single nucleotide variant.
Coding change: c.6612G>T on transcript NM_001378454.1 (MANE Select); coding-DNA position 6612, G replaced by T.
Protein change: p.Arg2204Ser; replaces arginine 2204 with serine.
Molecular consequence: missense variant.
Genome position (GRCh38, 1-based): chr2:73,453,139, G>T. VCF-style: chr2-73453139-G-T. GRCh37 (hg19) VCF-style: chr2-73680266-G-T.
Other names: c.6615G>T, p.Arg2205Ser (NM_015120.4); short protein forms R2204S, R2205S.
Identifiers: ClinVar variation 2056761 (VCV002056761.3), dbSNP rs758379924, ClinGen allele CA347288789.

ClinVar aggregate classification (germline): Uncertain significance (1 of 4 stars; one submission).

Conditions:
Alstrom syndrome (ALMS). Identifiers: Orphanet 64, MedGen C0268425, MONDO:0008763, OMIM 203800.

gnomAD v4.1: 3 of 1,613,850 alleles (0.00019%); highest among the groups gnomAD compares: Non-Finnish European, 0.00025%; no homozygotes.

Submission:

Labcorp Genetics (formerly Invitae), Labcorp
Classification: Uncertain significance for Alstrom syndrome. Last evaluated: 2024-02-24. Review status: criteria provided, single submitter. Criteria: Invitae Variant Classification Sherloc (09022015). Collection method: clinical testing. Allele origin: germline.
Comment: This sequence change replaces arginine, which is basic and polar, with serine, which is neutral and polar, at codon 2205 of the ALMS1 protein (p.Arg2205Ser). The frequency data for this variant in the population databases is considered unreliable, as metrics indicate poor data quality at this position in the gnomAD database. This variant has not been reported in the literature in individuals affected with ALMS1-related conditions. ClinVar contains an entry for this variant (Variation ID: 2056761). Experimental studies and prediction algorithms are not available or were not evaluated, and the functional significance of this variant is currently unknown. In summary, the available evidence is currently insufficient to determine the role of this variant in disease. Therefore, it has been classified as a Variant of Uncertain Significance.